The following is an entry in ClinVar:

NM_016203.4(PRKAG2):c.1538A>C (p.Lys513Thr)

Gene: PRKAG2 (protein kinase AMP-activated non-catalytic subunit gamma 2; minus strand). Cytogenetic location: 7q36.1.
Variant type: single nucleotide variant.
Coding change: c.1538A>C on transcript NM_016203.4 (MANE Select); coding-DNA position 1538, A replaced by C.
Protein change: p.Lys513Thr; replaces lysine 513 with threonine.
Molecular consequence: missense variant.
Genome position (GRCh38, 1-based): chr7:151,564,124, T>G on the plus strand (A>C on the coding strand, the complement: PRKAG2 is on the minus strand). VCF-style: chr7-151564124-T-G. GRCh37 (hg19) VCF-style: chr7-151261210-T-G.
Other names: c.1535A>C, p.Lys512Thr (NM_001407023.1, NM_001407022.1); c.1403A>C, p.Lys468Thr (NM_001407026.1, NM_001407027.1); c.1406A>C, p.Lys469Thr (NM_001407024.1, NM_001040633.2); c.1166A>C, p.Lys389Thr (NM_001407028.1, NM_001363698.2); c.1163A>C, p.Lys388Thr (NM_001407029.1, NM_001304527.2); c.1250A>C, p.Lys417Thr (NM_001407030.1); c.1247A>C, p.Lys416Thr (NM_001407031.1); c.1220A>C, p.Lys407Thr (NM_001407032.1); and 6 more; short protein forms K271T, K272T, K288T, K292T, K388T, K389T, K405T, K407T.
Identifiers: ClinVar variation 4802498 (VCV004802498.1).

ClinVar aggregate classification (germline): Uncertain significance (1 of 4 stars; one submission).

Conditions:
Lethal congenital glycogen storage disease of heart. Also called: GLYCOGEN STORAGE DISEASE OF HEART; PHOSPHORYLASE KINASE DEFICIENCY OF HEART. Identifiers: Orphanet 439854, MedGen C1849813, MONDO:0009867, OMIM 261740.

gnomAD v4.1: 1 of 1,614,182 alleles (0.000062%); highest among the groups gnomAD compares: Non-Finnish European, 0.000085%; no homozygotes.

Submission:

Labcorp Genetics (formerly Invitae), Labcorp
Classification: Uncertain significance for Lethal congenital glycogen storage disease of heart. Last evaluated: 2025-10-19. Review status: criteria provided, single submitter. Criteria: Invitae Variant Classification Sherloc (09022015). Collection method: clinical testing. Allele origin: germline.
Comment: This sequence change replaces lysine, which is basic and polar, with threonine, which is neutral and polar, at codon 513 of the PRKAG2 protein (p.Lys513Thr). This variant is not present in population databases (gnomAD no frequency). This variant has not been reported in the literature in individuals affected with PRKAG2-related conditions. Invitae Evidence Modeling of protein sequence and biophysical properties (such as structural, functional, and spatial information, amino acid conservation, physicochemical variation, residue mobility, and thermodynamic stability) indicates that this missense variant is not expected to disrupt PRKAG2 protein function with a negative predictive value of 95%. In summary, the available evidence is currently insufficient to determine the role of this variant in disease. Therefore, it has been classified as a Variant of Uncertain Significance.